The following is an entry in ClinVar:

NM_014989.7(RIMS1):c.4898A>G (p.Lys1633Arg)

Gene: RIMS1 (regulating synaptic membrane exocytosis 1; plus strand). Cytogenetic location: 6q13.
Variant type: single nucleotide variant.
Coding change: c.4898A>G on transcript NM_014989.7 (MANE Select); coding-DNA position 4898, A replaced by G.
Protein change: p.Lys1633Arg; replaces lysine 1633 with arginine.
Molecular consequence: missense variant.
Genome position (GRCh38, 1-based): chr6:72,400,533, A>G. VCF-style: chr6-72400533-A-G. GRCh37 (hg19) VCF-style: chr6-73110235-A-G.
Other names: c.2972A>G, p.Lys991Arg (NM_001350420.2); c.2717A>G, p.Lys906Arg (NM_001350421.2); c.2342A>G, p.Lys781Arg (NM_001350422.2); c.2606A>G, p.Lys869Arg (NM_001350423.2); c.2204A>G, p.Lys735Arg (NM_001350424.2); c.2816A>G, p.Lys939Arg (NM_001350425.2); c.2192A>G, p.Lys731Arg (NM_001350426.2); c.2270A>G, p.Lys757Arg (NM_001350427.2); and 54 more; short protein forms K1014R, K1015R, K1017R, K160R, K1633R, K677R, K701R, K706R.
Identifiers: ClinVar variation 1719522 (VCV001719522.5), dbSNP rs2552255654, ClinGen allele CA364821619.

ClinVar aggregate classification (germline): Uncertain significance (1 of 4 stars; one submission).

Submission:

Labcorp Genetics (formerly Invitae), Labcorp
Classification: Uncertain significance. Last evaluated: 2022-09-15. Review status: criteria provided, single submitter. Criteria: Invitae Variant Classification Sherloc (09022015). Collection method: clinical testing. Allele origin: germline.
Comment: This sequence change replaces lysine, which is basic and polar, with arginine, which is basic and polar, at codon 1633 of the RIMS1 protein (p.Lys1633Arg). This variant is not present in population databases (gnomAD no frequency). This variant has not been reported in the literature in individuals affected with RIMS1-related conditions. Algorithms developed to predict the effect of missense changes on protein structure and function are either unavailable or do not agree on the potential impact of this missense change (SIFT: "Deleterious"; PolyPhen-2: "Probably Damaging"; Align-GVGD: "Class C0"). In summary, the available evidence is currently insufficient to determine the role of this variant in disease. Therefore, it has been classified as a Variant of Uncertain Significance.